The following is an entry in ClinVar:

ClinVar aggregate classification (germline): Pathogenic/Likely pathogenic. Review status: criteria provided, multiple submitters, no conflicts (2 of 4 stars). 19 submissions from 16 submitters: Pathogenic (10); Likely pathogenic (5). 4 of the submissions do not count toward it. Last evaluated 2026-01-22.

Conditions:
CLCN1-related disorder. Also called: CLCN1-related condition.
EMG: neuropathic changes. Identifiers: MedGen C4021727, HP:0003445.
Limb pain. Identifiers: MedGen C0030196, HP:0009763.
Memory impairment. Identifiers: MedGen C0233794, HP:0002354.
Migraine. Also called: Migraine disorder. Identifiers: MedGen C0149931, MONDO:0005277, HP:0002076.
EMG: myotonic runs. Identifiers: MedGen C4025576, HP:0003730.
Muscle spasm. Also called: spasm of muscle; Muscle cramps. Identifiers: MedGen C0037763, HP:0003394.
Congenital myotonia, autosomal recessive form. Also called: myotonia congenita, autosomal recessive; BECKER DISEASE; Becker Generalized Myotonia. Identifiers: Orphanet 614, MedGen C0751360, MONDO:0009715, OMIM 255700.
Congenital myotonia, autosomal dominant form (THD). Also called: Myotonia congenita autosomal dominant; THOMSEN DISEASE. Identifiers: Orphanet 614, MedGen C2936781, MONDO:0008055, OMIM 160800.
Batten-Turner congenital myopathy. Also called: Myotonia congenita; Congenital myotonia. Identifiers: Orphanet 206973, MedGen C0027127, MONDO:0100468, OMIM 255300.

Allele frequency attached by ClinVar (database versions not stated): gnomAD exomes below 0.00001; ExAC 0.00001; gnomAD 0.00001; TOPMed 0.00001.
gnomAD v4.1: 6 of 1,614,030 alleles (0.00037%); highest among the groups gnomAD compares: African/African-American, 0.0027%; no homozygotes.

Submissions 1 to 11 of 19:

3billion
Classification: Likely pathogenic for Congenital myotonia, autosomal dominant form. Last evaluated: 2026-01-22. Review status: criteria provided, single submitter. Criteria: ACMG Guidelines, 2015. Collection method: clinical testing. Allele origin: germline. Affected: yes.
Comment: The variant is observed at an extremely low frequency in the gnomAD v4.1.0 dataset (total allele frequency: <0.001%). Predicted Consequence/Location: Missense variant In silico tool predictions suggest damaging effect of the variant on gene or gene product [REVEL: 0.90 (>=0.6, sensitivity 0.68 and specificity 0.92); 3Cnet: 0.94 (> 0.75, sensitivity 0.96 and precision 0.92)]. The same nucleotide change resulting in the same amino acid change has been previously reported as pathogenic/likely pathogenic with strong evidence (ClinVar ID: VCV000017542 /PMID: 8845168 /3billion dataset). Different missense changes at the same codon (p.Arg317Leu, p.Arg317Pro) have been reported to be associated with CLCN1-related disorder (ClinVar ID: VCV001508818 /PMID: 17932099). Therefore, this variant is classified as Likely pathogenic according to the recommendation of ACMG/AMP guideline.

Labcorp Genetics (formerly Invitae), Labcorp
Classification: Pathogenic for Congenital myotonia, autosomal recessive form; Congenital myotonia, autosomal dominant form. Last evaluated: 2025-11-17. Review status: criteria provided, single submitter. Criteria: Invitae Variant Classification Sherloc (09022015). Collection method: clinical testing. Allele origin: germline.
Comment: This sequence change replaces arginine, which is basic and polar, with glutamine, which is neutral and polar, at codon 317 of the CLCN1 protein (p.Arg317Gln). This variant is not present in population databases (gnomAD no frequency). This missense change has been observed in individuals with autosomal dominant and recessive myotonia congenita (PMID: 8533761, 10737121, 29606556; internal data). It has also been observed to segregate with disease in related individuals. ClinVar contains an entry for this variant (Variation ID: 17542). Invitae Evidence Modeling of protein sequence and biophysical properties (such as structural, functional, and spatial information, amino acid conservation, physicochemical variation, residue mobility, and thermodynamic stability) indicates that this missense variant is expected to disrupt CLCN1 protein function with a positive predictive value of 95%. Experimental studies have shown that this missense change affects CLCN1 function (PMID: 8845168). For these reasons, this variant has been classified as Pathogenic.

Variantyx, Inc.
Classification: Likely pathogenic for Congenital myotonia, autosomal dominant form. Last evaluated: 2025-11-03. Review status: criteria provided, single submitter. Criteria: Variantyx Assertion Criteria 2022. Collection method: clinical testing. Allele origin: germline. Inheritance: Autosomal recessive inheritance. Affected: yes.
Comment: This is a nonsynonymous variant in the CLCN1 gene (OMIM: 118425). Pathogenic variants in this gene have been associated with autosomal dominant myotonia congenita. This variant has been reported in multiple unrelated affected individuals (PMID: 29606556) (PS4_Moderate) and has been observed to segregate with disease in at least 6 individuals from one family (PMID: 8533761) (PP1). This variant lies within a known hotspot for pathogenic variants or a well-established critical functional domain of the CLCN1 protein (PMID:17932099) (PM1). Functional studies have shown that this variant alters CLCN1 protein function (PMID: 8845168) (PS3_Moderate), and multiple computational algorithms predict a deleterious effect for this variant (REVEL score: 0.901) (PP3). This variant has a 0.0027% maximum allele frequency in non-founder control populations (PM2). Based on the current evidence, this variant is classified as likely pathogenic for autosomal dominant myotonia congenita.

CeGaT Center for Human Genetics Tuebingen
Classification: Pathogenic. Last evaluated: 2025-10-01. Review status: criteria provided, single submitter. Criteria: CeGaT Center For Human Genetics Tuebingen Variant Classification Criteria Version 2. Collection method: clinical testing. Allele origin: germline. Affected: yes. Observed: 1 variant allele.
Comment: CLCN1: PP1:Strong, PM2, PM5, PS4:Moderate, PP3, PS3:Supporting

GeneDx
Classification: Pathogenic. Last evaluated: 2025-07-31. Review status: criteria provided, single submitter. Criteria: GeneDx Variant Classification Process June 2021. Collection method: clinical testing. Allele origin: germline. Affected: yes.
Comment: Reported in the heterozygous state in several families, but also in the heterozygous and homozygous state in one family with myotonia congenita, and not observed in homozygous state in controls (PMID: 10737121, 8533761); Published functional studies indicate that R317Q shifts the gating threshold to a positive voltage thus altering channel gating and preventing repolarization of the channel (PMID: 8845168); Not observed at significant frequency in large population cohorts (gnomAD); In silico analysis supports that this missense variant has a deleterious effect on protein structure/function; This variant is associated with the following publications: (PMID: 24349310, 25749817, 17395130, 12163078, 11933197, 15786415, 27415035, 9736777, 29606556, 10737121, 8533761, 8845168, 35907044, 37396771, 34529042, 34790634)

Institute of Medical Genetics and Applied Genomics, University Hospital Tübingen
Classification: Pathogenic for Congenital myotonia, autosomal dominant form. Last evaluated: 2025-07-18. Review status: criteria provided, single submitter. Criteria: ACMG Guidelines, 2015. Collection method: clinical testing. Allele origin: germline. Inheritance: Autosomal dominant inheritance. Affected: yes.

Athena Diagnostics
Classification: Pathogenic. Last evaluated: 2024-08-28. Review status: criteria provided, single submitter. Criteria: Athena Diagnostics Criteria. Collection method: clinical testing. Allele origin: unknown.
Comment: The frequency of this variant in the general population is consistent with pathogenicity. This variant has been identified in multiple unrelated individuals with clinical features associated with this gene. This variant is reported in the literature to exhibit dominant segregation in some families and recessive segregation in others (PMID: 8533761, 10737121, 25749817, 29606556, 34790634, 35907044). Assessment of experimental evidence suggests this variant results in abnormal protein function. (PMID: 8845168)

Baylor Genetics
Classification: Pathogenic for Congenital myotonia, autosomal recessive form. Last evaluated: 2024-02-07. Review status: criteria provided, single submitter. Criteria: ACMG Guidelines, 2015. Collection method: clinical testing. Allele origin: unknown.

Baylor Genetics
Classification: Pathogenic for Congenital myotonia, autosomal dominant form. Last evaluated: 2024-02-07. Review status: criteria provided, single submitter. Criteria: ACMG Guidelines, 2015. Collection method: clinical testing. Allele origin: unknown.

Neuberg Centre For Genomic Medicine, NCGM
Classification: Pathogenic for Congenital myotonia, autosomal recessive form. Last evaluated: 2023-06-22. Review status: criteria provided, single submitter. Criteria: ACMG Guidelines, 2015. Collection method: clinical testing. Allele origin: germline. Inheritance: Autosomal recessive inheritance. Affected: yes.
Comment: The observed missense c.950G>A (p.Arg317Gln) variant in CLCN1 gene has been reported in both homozygous and heterozygous states in multiple individuals affected with myotonia (Esteban et al., 1998; Meyer-Kleine et al., 1995; Stunnenberg et al., 2018). It has also been observed to segregate with disease in related individuals (Meyer-Kleine et al., 1995). Experimental studies indicate that p.Arg317Gln shifts the gating threshold to a positive voltage thus altering channel gating and preventing repolarization of the channel (Pusch et al., 1995). This variant is present with allele frequency of 0.0004% in gnomAD Exomes. This variant has been submitted to the ClinVar database as Likely Pathogenic/ Pathogenic (multiple submissions). Multiple lines of computational evidence (Polyphen - Probably Damaging, SIFT - Damaging and MutationTaster - Disease causing) predict a damaging effect on protein structure and function for this variant. The reference amino acid of p.Arg317Gln in CLCN1 is predicted as conserved by GERP++ and PhyloP across 100 vertebrates. The amino acid Arg at position 317 is changed to a Gln changing protein sequence and it might alter its composition and physico-chemical properties. For these reasons, this variant has been classified as Pathogenic.

Blueprint Genetics
Classification: Pathogenic for CLCN1-related disorders. Last evaluated: 2023-03-24. Review status: criteria provided, single submitter. Criteria: ACMG Guidelines, 2015. Collection method: clinical testing. Allele origin: germline. Affected: yes. Observed: 2 variant alleles.

NM_000083.3(CLCN1):c.950G>A (p.Arg317Gln)

Gene: CLCN1 (chloride voltage-gated channel 1; plus strand). Cytogenetic location: 7q34.
Variant type: single nucleotide variant.
Coding change: c.950G>A on transcript NM_000083.3 (MANE Select); coding-DNA position 950, G replaced by A.
Protein change: p.Arg317Gln; replaces arginine 317 with glutamine.
Molecular consequence: missense variant. On other transcripts: non-coding transcript variant (1).
Genome position (GRCh38, 1-based): chr7:143,330,868, G>A. VCF-style: chr7-143330868-G-A. GRCh37 (hg19) VCF-style: chr7-143027961-G-A.
Other names: short protein forms R317Q.
Identifiers: ClinVar variation 17542 (VCV000017542.36), dbSNP rs80356702, ClinGen allele CA258024.